The following is an entry in ClinVar:

NM_000170.3(GLDC):c.1903C>T (p.Gln635Ter)

Gene: GLDC (glycine decarboxylase; minus strand). Cytogenetic location: 9p24.1.
Variant type: single nucleotide variant.
Coding change: c.1903C>T on transcript NM_000170.3 (MANE Select); coding-DNA position 1903, C replaced by T.
Protein change: p.Gln635Ter; replaces glutamine 635 with a stop codon.
Molecular consequence: nonsense.
Genome position (GRCh38, 1-based): chr9:6,565,377, G>A on the plus strand (C>T on the coding strand, the complement: GLDC is on the minus strand). VCF-style: chr9-6565377-G-A. GRCh37 (hg19) VCF-style: chr9-6565377-G-A.
Other names: short protein forms Q635*.
Identifiers: ClinVar variation 1438299 (VCV001438299.6), dbSNP rs2129758198, ClinGen allele CA372884405.
Genomic context (GRCh38, chr9:6,565,377, plus strand): 5'-CCCATGGTGAGCAAGCGCCACCTCCTGCCATACTCACCGTTCTGTGCCCCTCTCCTTTCT[G>A]GTTTAAGTAGGCTCGGATAGTGGCCAGTCCAGCATATTCTCCCTGGGCTCCGCTTGCAAA-3'

ClinVar aggregate classification (germline): Pathogenic (1 of 4 stars; one submission).

Conditions:
Glycine encephalopathy. Also called: Non-ketotic hyperglycinemia; Nonketotic hyperglycinemia. Identifiers: Orphanet 407, MedGen C0751748, MONDO:0011612, HP:0008288.

Submission:

Labcorp Genetics (formerly Invitae), Labcorp
Classification: Pathogenic for Glycine encephalopathy. Last evaluated: 2021-08-15. Review status: criteria provided, single submitter. Criteria: Invitae Variant Classification Sherloc (09022015). Collection method: clinical testing. Allele origin: germline.
Comment: For these reasons, this variant has been classified as Pathogenic. This variant has not been reported in the literature in individuals affected with GLDC-related conditions. This variant is not present in population databases (ExAC no frequency). This sequence change creates a premature translational stop signal (p.Gln635*) in the GLDC gene. It is expected to result in an absent or disrupted protein product. Loss-of-function variants in GLDC are known to be pathogenic (PMID: 16601880).

Literature cited by the submitters: PubMed 16601880.